The following is an entry in ClinVar:

NM_001374353.1(GLI2):c.2245T>C (p.Ser749Pro)

Gene: GLI2 (GLI family zinc finger 2; plus strand). Cytogenetic location: 2q14.2.
Variant type: single nucleotide variant.
Coding change: c.2245T>C on transcript NM_001374353.1 (MANE Select); coding-DNA position 2245, T replaced by C.
Protein change: p.Ser749Pro; replaces serine 749 with proline.
Molecular consequence: missense variant.
Genome position (GRCh38, 1-based): chr2:120,988,210, T>C. VCF-style: chr2-120988210-T-C. GRCh37 (hg19) VCF-style: chr2-121745786-T-C.
Other names: c.2296T>C, p.Ser766Pro (NM_001371271.1, NM_005270.5); c.1870T>C, p.Ser624Pro (NM_001374354.1); short protein forms S624P, S766P, S749P.
Identifiers: ClinVar variation 2953161 (VCV002953161.3), dbSNP rs2467766296, ClinGen allele CA348165551.

ClinVar aggregate classification (germline): Uncertain significance (1 of 4 stars; one submission).

Conditions:
Holoprosencephaly 9 (HPE9). Also called: PITUITARY ANOMALIES WITH HOLOPROSENCEPHALY-LIKE FEATURES; HOLOPROSENCEPHALY WITH MICROPHTHALMIA AND FIRST BRANCHIAL ARCH ANOMALIES. Identifiers: Orphanet 2162, MedGen C1835819, MONDO:0012563, OMIM 610829.
Postaxial polydactyly-anterior pituitary anomalies-facial dysmorphism syndrome. Also called: Culler-Jones syndrome. Identifiers: Orphanet 420584, MedGen C4014479, MONDO:0014369, OMIM 615849.

Submission:

Labcorp Genetics (formerly Invitae), Labcorp
Classification: Uncertain significance for Postaxial polydactyly-anterior pituitary anomalies-facial dysmorphism syndrome; Holoprosencephaly 9. Last evaluated: 2023-10-22. Review status: criteria provided, single submitter. Criteria: Invitae Variant Classification Sherloc (09022015). Collection method: clinical testing. Allele origin: germline.
Comment: This sequence change replaces serine, which is neutral and polar, with proline, which is neutral and non-polar, at codon 766 of the GLI2 protein (p.Ser766Pro). This variant is not present in population databases (gnomAD no frequency). This variant has not been reported in the literature in individuals affected with GLI2-related conditions. An algorithm developed to predict the effect of missense changes on protein structure and function (PolyPhen-2) suggests that this variant is likely to be tolerated. In summary, the available evidence is currently insufficient to determine the role of this variant in disease. Therefore, it has been classified as a Variant of Uncertain Significance.